The following is an entry in ClinVar:

ClinVar aggregate classification (germline): Uncertain significance (1 of 4 stars; one submission).

Conditions:
Inborn genetic diseases. Identifiers: MedGen C0950123, MeSH D030342.

Submission:

Ambry Genetics
Classification: Uncertain significance for Inborn genetic diseases. Last evaluated: 2025-06-06. Review status: criteria provided, single submitter. Criteria: Ambry Variant Classification Scheme 2023. Collection method: clinical testing. Allele origin: germline.
Comment: The p.W40L variant (also known as c.119G>T), located in coding exon 1 of the WT1 gene, results from a G to T substitution at nucleotide position 119. The tryptophan at codon 40 is replaced by leucine, an amino acid with similar properties. This amino acid position is conserved. In addition, this alteration is predicted to be tolerated by in silico analysis. Based on the available evidence, the clinical significance of this variant remains unclear.

NM_024426.6(WT1):c.134G>T (p.Trp45Leu)

Genes: WT1 (WT1 transcription factor; minus strand), LOC107982234 (WT1/WT1-AS bi-directional promoter region; plus strand). Cytogenetic location: 11p13.
Variant type: single nucleotide variant.
Coding change: c.134G>T on transcript NM_024426.6 (MANE Select); coding-DNA position 134, G replaced by T.
Protein change: p.Trp45Leu; replaces tryptophan 45 with leucine.
Molecular consequence: missense variant. On other transcripts: 5 prime UTR variant (4), non-coding transcript variant (2).
Genome position (GRCh38, 1-based): chr11:32,435,227, C>A on the plus strand (G>T on the coding strand, the complement: WT1 is on the minus strand). VCF-style: chr11-32435227-C-A. GRCh37 (hg19) VCF-style: chr11-32456773-C-A.
Other names: c.134G>T, p.Trp45Leu (NM_000378.6, NM_001407044.1, NM_001407045.1 and 6 more transcripts); c.-86G>T (NM_001429031.1, NM_001429032.1, NM_001429033.1 and 1 more transcripts); short protein forms W40L, W45L.
Identifiers: ClinVar variation 3982485 (VCV003982485.1).